The following is an entry in ClinVar:

ClinVar aggregate classification (germline): Uncertain significance. Review status: criteria provided, multiple submitters, no conflicts (2 of 4 stars). 2 submissions from 2 submitters: Uncertain significance (2). Last evaluated 2024-05-10.

Conditions:
Autosomal dominant nonsyndromic hearing loss 17. Also called: Deafness, autosomal dominant 17; Autosomal dominant nonsyndromic deafness 17. Identifiers: Orphanet 90635, MedGen C1863659, MONDO:0011350, OMIM 603622.
Macrothrombocytopenia and granulocyte inclusions with or without nephritis or sensorineural hearing loss (MATINS). Also called: Fechtner syndrome; Epstein syndrome; Giant platelet syndrome with thrombocytopenia; ALPORT SYNDROME WITH MACROTHROMBOCYTOPENIA; SEBASTIAN PLATELET SYNDROME; MACROTHROMBOCYTOPENIA WITH DISPERSED LEUKOCYTIC INCLUSIONS. Identifiers: Orphanet 182050, MedGen C5200934, MONDO:0015912, OMIM 155100.

Allele frequency attached by ClinVar (database versions not stated): ExAC 0.00001; TOPMed 0.00001; gnomAD 0.00002.
gnomAD v4.1: 9 of 1,612,694 alleles (0.00056%); highest among the groups gnomAD compares: East Asian, 0.0045%; no homozygotes.

Submissions (2):

Fulgent Genetics
Classification: Uncertain significance for Macrothrombocytopenia and granulocyte inclusions with or without nephritis or sensorineural hearing loss; Autosomal dominant nonsyndromic hearing loss 17. Last evaluated: 2024-05-10. Review status: criteria provided, single submitter. Criteria: ACMG Guidelines, 2015. Collection method: clinical testing. Allele origin: germline.

Labcorp Genetics (formerly Invitae), Labcorp
Classification: Uncertain significance. Last evaluated: 2022-05-16. Review status: criteria provided, single submitter. Criteria: Invitae Variant Classification Sherloc (09022015). Collection method: clinical testing. Allele origin: germline.
Comment: In summary, the available evidence is currently insufficient to determine the role of this variant in disease. Therefore, it has been classified as a Variant of Uncertain Significance. Algorithms developed to predict the effect of missense changes on protein structure and function are either unavailable or do not agree on the potential impact of this missense change (SIFT: "Deleterious"; PolyPhen-2: "Probably Damaging"; Align-GVGD: "Class C0"). This variant has not been reported in the literature in individuals affected with MYH9-related conditions. This variant is present in population databases (rs776352474, gnomAD 0.006%). This sequence change replaces aspartic acid, which is acidic and polar, with asparagine, which is neutral and polar, at codon 1750 of the MYH9 protein (p.Asp1750Asn).

NM_002473.6(MYH9):c.5248G>A (p.Asp1750Asn)

Gene: MYH9 (myosin heavy chain 9; minus strand). Cytogenetic location: 22q12.3.
Variant type: single nucleotide variant.
Coding change: c.5248G>A on transcript NM_002473.6 (MANE Select); coding-DNA position 5248, G replaced by A.
Protein change: p.Asp1750Asn; replaces aspartic acid 1750 with asparagine.
Molecular consequence: missense variant.
Genome position (GRCh38, 1-based): chr22:36,285,684, C>T on the plus strand (G>A on the coding strand, the complement: MYH9 is on the minus strand). VCF-style: chr22-36285684-C-T. GRCh37 (hg19) VCF-style: chr22-36681730-C-T.
Other names: short protein forms D1750N.
Identifiers: ClinVar variation 1961779 (VCV001961779.6), dbSNP rs776352474, ClinGen allele CA10209115.